The following is an entry in ClinVar:

NM_001903.5(CTNNA1):c.1015G>C (p.Ala339Pro)

Gene: CTNNA1 (catenin alpha 1; plus strand). Cytogenetic location: 5q31.2.
Variant type: single nucleotide variant.
Coding change: c.1015G>C on transcript NM_001903.5 (MANE Select); coding-DNA position 1015, G replaced by C.
Protein change: p.Ala339Pro; replaces alanine 339 with proline.
Molecular consequence: missense variant.
Genome position (GRCh38, 1-based): chr5:138,827,671, G>C. VCF-style: chr5-138827671-G-C. GRCh37 (hg19) VCF-style: chr5-138163360-G-C.
Other names: c.1015G>C, p.Ala339Pro (NM_001290307.3, NM_001323982.2, NM_001323983.1 and 3 more transcripts); c.706G>C, p.Ala236Pro (NM_001290309.3); c.646G>C, p.Ala216Pro (NM_001290310.3); short protein forms A216P, A339P, A236P.
Identifiers: ClinVar variation 4635468 (VCV004635468.1).

ClinVar aggregate classification (germline): Uncertain significance (1 of 4 stars; one submission).

Conditions:
Hereditary cancer-predisposing syndrome. Also called: Neoplastic Syndromes, Hereditary; Tumor predisposition; Hereditary Cancer Syndrome; Hereditary neoplastic syndrome. Identifiers: Orphanet 140162, MedGen C0027672, MeSH D009386, MONDO:0015356.

Submission:

Ambry Genetics
Classification: Uncertain significance for Hereditary cancer-predisposing syndrome. Last evaluated: 2025-10-22. Review status: criteria provided, single submitter. Criteria: Ambry Variant Classification Scheme 2023. Collection method: clinical testing. Allele origin: germline.
Comment: The p.A339P variant (also known as c.1015G>C), located in coding exon 6 of the CTNNA1 gene, results from a G to C substitution at nucleotide position 1015. The alanine at codon 339 is replaced by proline, an amino acid with highly similar properties. This amino acid position is conserved. In addition, the in silico prediction for this alteration is inconclusive. Based on the available evidence, the clinical significance of this variant remains unclear.